The following is an entry in ClinVar:

ClinVar aggregate classification (germline): Uncertain significance. Review status: criteria provided, multiple submitters, no conflicts (2 of 4 stars). 3 submissions from 3 submitters: Uncertain significance (3). Last evaluated 2026-05-06.

Conditions:
MYO18B-related disorder. Also called: MYO18B-related condition.
Klippel-Feil anomaly-myopathy-facial dysmorphism syndrome. Also called: Klippel-feil syndrome 4, autosomal recessive, with nemaline myopathy and facial dysmorphism; Klippel-Feil syndrome 4, autosomal recessive, with myopathy and facial dysmorphism. Identifiers: Orphanet 447974, MedGen C4225285, MONDO:0014689, OMIM 616549.

Allele frequency attached by ClinVar (database versions not stated): ExAC 0.00005; gnomAD exomes 0.00007 and 0.00008; TOPMed 0.00011; gnomAD 0.00013 and 0.00014; ESP Exome Variant Server 0.00017.
gnomAD v4.1: 134 of 1,613,750 alleles (0.0083%); highest among the groups gnomAD compares: Middle Eastern, 0.016%; no homozygotes.

Submissions (3):

PreventionGenetics, part of Exact Sciences
Classification: Uncertain significance for MYO18B-related condition. Last evaluated: 2026-05-06. Review status: criteria provided, single submitter. Criteria: ACMG Guidelines, 2015. Collection method: clinical testing. Allele origin: germline.
Comment: The MYO18B c.7024G>A variant is predicted to result in the amino acid substitution p.Glu2342Lys. To our knowledge, this variant has not been reported in the literature. This variant is reported in 0.016% of alleles in individuals of South Asian descent in gnomAD. At this time, the clinical significance of this variant is uncertain due to the absence of conclusive functional and genetic evidence.

Labcorp Genetics (formerly Invitae), Labcorp
Classification: Uncertain significance. Last evaluated: 2024-10-22. Review status: criteria provided, single submitter. Criteria: Invitae Variant Classification Sherloc (09022015). Collection method: clinical testing. Allele origin: germline.
Comment: This sequence change replaces glutamic acid, which is acidic and polar, with lysine, which is basic and polar, at codon 2342 of the MYO18B protein (p.Glu2342Lys). This variant is present in population databases (rs370531504, gnomAD 0.02%). This variant has not been reported in the literature in individuals affected with MYO18B-related conditions. ClinVar contains an entry for this variant (Variation ID: 1443848). An algorithm developed to predict the effect of missense changes on protein structure and function outputs the following: PolyPhen-2: "Benign". The lysine amino acid residue is found in multiple mammalian species, which suggests that this missense change does not adversely affect protein function. In summary, the available evidence is currently insufficient to determine the role of this variant in disease. Therefore, it has been classified as a Variant of Uncertain Significance.

Revvity Omics, Revvity
Classification: Uncertain significance for Klippel-Feil anomaly-myopathy-facial dysmorphism syndrome. Last evaluated: 2023-03-15. Review status: criteria provided, single submitter. Criteria: ACMG Guidelines, 2015. Collection method: clinical testing. Allele origin: germline.

NM_032608.7(MYO18B):c.7024G>A (p.Glu2342Lys)

Gene: MYO18B (myosin XVIIIB; plus strand). Cytogenetic location: 22q12.1.
Variant type: single nucleotide variant.
Coding change: c.7024G>A on transcript NM_032608.7 (MANE Select); coding-DNA position 7024, G replaced by A.
Protein change: p.Glu2342Lys; replaces glutamic acid 2342 with lysine.
Molecular consequence: missense variant.
Genome position (GRCh38, 1-based): chr22:26,026,998, G>A. VCF-style: chr22-26026998-G-A. GRCh37 (hg19) VCF-style: chr22-26422964-G-A.
Other names: c.7027G>A, p.Glu2343Lys (NM_001318245.2); c.7024G>A (NM_032608.6); short protein forms E2342K, E2343K.
Identifiers: ClinVar variation 1443848 (VCV001443848.8), dbSNP rs370531504, ClinGen allele CA10161666.
Genomic context (GRCh38, chr22:26,026,998, plus strand): 5'-AGGTCCACCAGCCTCAAATGCATCTCTTCAGACGGTGTTGGGGGCACAACCCTACTCCCC[G>A]AAAAGTCGAAAACCCAATTCAGTTCCTGCGAGTCCCTCTTAGAATCCAGACCGAGCATGG-3'
Protein context (NP_115997.5, residues 2332-2352): DGVGGTTLLP[Glu2342Lys]KSKTQFSSCE